The following is an entry in ClinVar:

NM_201384.3(PLEC):c.7606C>T (p.Arg2536Trp)

Gene: PLEC (plectin; minus strand). Cytogenetic location: 8q24.3.
Variant type: single nucleotide variant.
Coding change: c.7606C>T on transcript NM_201384.3 (MANE Select); coding-DNA position 7606, C replaced by T.
Protein change: p.Arg2536Trp; replaces arginine 2536 with tryptophan.
Molecular consequence: missense variant.
Genome position (GRCh38, 1-based): chr8:143,922,215, G>A on the plus strand (C>T on the coding strand, the complement: PLEC is on the minus strand). VCF-style: chr8-143922215-G-A. GRCh37 (hg19) VCF-style: chr8-144996383-G-A.
Other names: c.7687C>T, p.Arg2563Trp (NM_000445.5); c.7564C>T, p.Arg2522Trp (NM_201378.4); c.7540C>T, p.Arg2514Trp (NM_201379.3); c.8017C>T, p.Arg2673Trp (NM_201380.4); c.7510C>T, p.Arg2504Trp (NM_201381.3); c.7606C>T, p.Arg2536Trp (NM_201382.4); c.7618C>T, p.Arg2540Trp (NM_201383.3); c.7687C>T (NM_000445.3); short protein forms R2514W, R2540W, R2563W, R2673W, R2522W, R2504W, R2536W.
Identifiers: ClinVar variation 566592 (VCV000566592.11), dbSNP rs782809876, ClinGen allele CA4925569.

ClinVar aggregate classification (germline): Uncertain significance. Review status: criteria provided, multiple submitters, no conflicts (2 of 4 stars). 4 submissions from 4 submitters: Uncertain significance (4). Last evaluated 2026-09-13.

Conditions:
Inborn genetic diseases. Identifiers: MedGen C0950123, MeSH D030342.
PLEC-related disorder. Also called: PLEC-related disorders; PLEC-related condition.
Epidermolysis bullosa simplex 5C, with pyloric atresia (EBS5C). Also called: PLEC-Related Epidermolysis Bullosa with Pyloric Atresia; PLEC1-Related Epidermolysis Bullosa with Pyloric Atresia; Epidermolysis bullosa simplex with pyloric atresia. Identifiers: Orphanet 158684, MedGen C2677349, MONDO:0012807, OMIM 612138.
Epidermolysis bullosa simplex, Ogna type (EBS5A). Also called: Pidermolysis bullosa simplex 5A, Ogna type; EPIDERMOLYSIS BULLOSA SIMPLEX 5A, OGNA TYPE. Identifiers: Orphanet 79401, MedGen C0432317, MONDO:0007555, OMIM 131950.
Epidermolysis bullosa simplex 5B, with muscular dystrophy (EBS5B). Also called: Epidermolysis bullosa simplex with muscular dystrophy; EPIDERMOLYSIS BULLOSA SIMPLEX AND LIMB-GIRDLE MUSCULAR DYSTROPHY. Identifiers: Orphanet 257, MedGen C2931072, MONDO:0009181, OMIM 226670.
Epidermolysis bullosa simplex with nail dystrophy (EBS5D). Identifiers: MedGen C4225309, MONDO:0014661, OMIM 616487.
Autosomal recessive limb-girdle muscular dystrophy type 2Q (LGMDR17). Also called: MUSCULAR DYSTROPHY, LIMB-GIRDLE, AUTOSOMAL RECESSIVE 17. Identifiers: Orphanet 254361, MedGen C3150989, MONDO:0013390, OMIM 613723.

Allele frequency attached by ClinVar (database versions not stated): gnomAD 0.00001; TOPMed 0.00002; gnomAD exomes 0.00003; ExAC 0.00015.
gnomAD v4.1: 22 of 1,563,858 alleles (0.0014%); highest among the groups gnomAD compares: South Asian, 0.013%; no homozygotes.

Submissions (4):

PreventionGenetics, part of Exact Sciences
Classification: Uncertain significance for PLEC-related condition. Last evaluated: 2026-09-13. Review status: criteria provided, single submitter. Criteria: ACMG Guidelines, 2015. Collection method: clinical testing. Allele origin: germline.
Comment: The PLEC c.7687C>T variant is predicted to result in the amino acid substitution p.Arg2563Trp. To our knowledge, this variant has not been reported in the literature. This variant is reported in 0.015% of alleles in individuals of East Asian descent in gnomAD. At this time, the clinical significance of this variant is uncertain due to the absence of conclusive functional and genetic evidence.

Ambry Genetics
Classification: Uncertain significance for Inborn genetic diseases. Last evaluated: 2025-08-14. Review status: criteria provided, single submitter. Criteria: Ambry Variant Classification Scheme 2023. Collection method: clinical testing. Allele origin: germline.

Labcorp Genetics (formerly Invitae), Labcorp
Classification: Uncertain significance for Autosomal recessive limb-girdle muscular dystrophy type 2Q; Epidermolysis bullosa simplex, Ogna type; Epidermolysis bullosa simplex with nail dystrophy; Epidermolysis bullosa simplex 5C, with pyloric atresia; Epidermolysis bullosa simplex 5B, with muscular dystrophy. Last evaluated: 2024-03-22. Review status: criteria provided, single submitter. Criteria: Invitae Variant Classification Sherloc (09022015). Collection method: clinical testing. Allele origin: germline.
Comment: This sequence change replaces arginine, which is basic and polar, with tryptophan, which is neutral and slightly polar, at codon 2563 of the PLEC protein (p.Arg2563Trp). The frequency data for this variant in the population databases is considered unreliable, as metrics indicate poor data quality at this position in the gnomAD database. This variant has not been reported in the literature in individuals affected with PLEC-related conditions. ClinVar contains an entry for this variant (Variation ID: 566592). Algorithms developed to predict the effect of missense changes on protein structure and function output the following: SIFT: "Not Available"; PolyPhen-2: "Probably Damaging"; Align-GVGD: "Not Available". The tryptophan amino acid residue is found in multiple mammalian species, which suggests that this missense change does not adversely affect protein function. In summary, the available evidence is currently insufficient to determine the role of this variant in disease. Therefore, it has been classified as a Variant of Uncertain Significance.

Revvity Omics, Revvity
Classification: Uncertain significance. Last evaluated: 2021-03-22. Review status: criteria provided, single submitter. Criteria: ACMG Guidelines, 2015. Collection method: clinical testing. Allele origin: germline.